The following is an entry in ClinVar:

NM_005458.8(GABBR2):c.1634C>T (p.Ser545Phe)

Gene: GABBR2 (gamma-aminobutyric acid type B receptor subunit 2; minus strand). Cytogenetic location: 9q22.33.
Variant type: single nucleotide variant.
Coding change: c.1634C>T on transcript NM_005458.8 (MANE Select); coding-DNA position 1634, C replaced by T.
Protein change: p.Ser545Phe; replaces serine 545 with phenylalanine.
Molecular consequence: missense variant.
Genome position (GRCh38, 1-based): chr9:98,385,668, G>A on the plus strand (C>T on the coding strand, the complement: GABBR2 is on the minus strand). VCF-style: chr9-98385668-G-A. GRCh37 (hg19) VCF-style: chr9-101147950-G-A.
Other names: short protein forms S545F.
Identifiers: ClinVar variation 2802076 (VCV002802076.3), dbSNP rs2491426491, ClinGen allele CA374210851.
Genomic context (GRCh38, chr9:98,385,668, plus strand): 5'-CATATACCACTGGCTTATGCAGAATGACTTACGGTGCAAAGTGTTTCAAAGGTCTTTTCA[G>A]AGACAAAGGATCCATCAAGGCCAAAGAGAAATATGGAAGCATAGGAGAGCATCCCTCCAA-3'
Protein context (NP_005449.5, residues 535-555): FLFGLDGSFV[Ser545Phe]EKTFETLCTV

ClinVar aggregate classification (germline): Uncertain significance (1 of 4 stars; one submission).

Conditions:
Epileptic encephalopathy. Identifiers: MedGen C0543888, HP:0200134.

Submission:

Labcorp Genetics (formerly Invitae), Labcorp
Classification: Uncertain significance for Epileptic encephalopathy. Last evaluated: 2023-12-23. Review status: criteria provided, single submitter. Criteria: Invitae Variant Classification Sherloc (09022015). Collection method: clinical testing. Allele origin: germline.
Comment: This sequence change replaces serine, which is neutral and polar, with phenylalanine, which is neutral and non-polar, at codon 545 of the GABBR2 protein (p.Ser545Phe). This variant is not present in population databases (gnomAD no frequency). This variant has not been reported in the literature in individuals affected with GABBR2-related conditions. Advanced modeling of protein sequence and biophysical properties (such as structural, functional, and spatial information, amino acid conservation, physicochemical variation, residue mobility, and thermodynamic stability) performed at Invitae indicates that this missense variant is expected to disrupt GABBR2 protein function with a positive predictive value of 80%. In summary, the available evidence is currently insufficient to determine the role of this variant in disease. Therefore, it has been classified as a Variant of Uncertain Significance.